The following is an entry in ClinVar:

ClinVar aggregate classification (germline): Benign/Likely benign. Review status: criteria provided, multiple submitters, no conflicts (2 of 4 stars). 2 submissions from 2 submitters: Benign (1); Likely benign (1). Last evaluated 2025-12-08.

Allele frequency attached by ClinVar (database versions not stated): gnomAD exomes 0.00006 and 0.00016; ExAC 0.00018; 1000 Genomes Project 30x 0.00031; 1000 Genomes Project 0.00040; ESP Exome Variant Server 0.00069; TOPMed 0.00070.
gnomAD v4.1: 200 of 1,613,216 alleles (0.012%); highest among the groups gnomAD compares: African/African-American, 0.23%; no homozygotes.

Submissions (2):

Labcorp Genetics (formerly Invitae), Labcorp
Classification: Benign. Last evaluated: 2025-12-08. Review status: criteria provided, single submitter. Criteria: Invitae Variant Classification Sherloc (09022015). Collection method: clinical testing. Allele origin: germline.

Mayo Clinic Laboratories, Mayo Clinic
Classification: Likely benign. Last evaluated: 2025-07-29. Review status: criteria provided, single submitter. Criteria: ACMG Guidelines, 2015. Collection method: clinical testing. Allele origin: germline. Observed: 1 variant allele.
Comment: BS1, BP4, BP7

NM_004174.4(SLC9A3):c.1698C>T (p.Asn566=)

Genes: SLC9A3 (solute carrier family 9 member A3), SLC9A3-AS1 (SLC9A3 antisense RNA 1; plus strand). Cytogenetic location: 5p15.33.
Variant type: single nucleotide variant.
Coding change: c.1698C>T on transcript NM_004174.4 (MANE Select); coding-DNA position 1698, C replaced by T.
Protein change: p.Asn566=; no amino-acid change (asparagine 566 retained).
Molecular consequence: synonymous variant.
Genome position (GRCh38, 1-based): chr5:477,394, G>A on the plus strand (C>T on the coding strand, the complement: SLC9A3 is on the minus strand). VCF-style: chr5-477394-G-A. GRCh37 (hg19) VCF-style: chr5-477509-G-A.
Other names: p.Asn566=; c.1671C>T, p.Asn557= (NM_001284351.3).
Identifiers: ClinVar variation 1593546 (VCV001593546.9), dbSNP rs150465275, ClinGen allele CA3175764.